The following is an entry in ClinVar:

NM_001267550.2(TTN):c.72994G>T (p.Val24332Phe)

Genes: TTN (titin; minus strand), TTN-AS1 (TTN antisense RNA 1; plus strand). Cytogenetic location: 2q31.2.
Variant type: single nucleotide variant.
Coding change: c.72994G>T on transcript NM_001267550.2 (MANE Select); coding-DNA position 72994, G replaced by T.
Protein change: p.Val24332Phe; replaces valine 24332 with phenylalanine.
Molecular consequence: missense variant.
Genome position (GRCh38, 1-based): chr2:178,573,138, C>A on the plus strand (G>T on the coding strand, the complement: TTN is on the minus strand). VCF-style: chr2-178573138-C-A. GRCh37 (hg19) VCF-style: chr2-179437865-C-A.
Other names: c.65290G>T, p.Val21764Phe (NM_133378.4); c.68071G>T, p.Val22691Phe (NM_001256850.1); c.45799G>T, p.Val15267Phe (NM_003319.4); c.46174G>T, p.Val15392Phe (NM_133432.3); c.46375G>T, p.Val15459Phe (NM_133437.4); short protein forms V21764F, V24332F, V22691F, V15267F, V15392F, V15459F.
Identifiers: ClinVar variation 229508 (VCV000229508.9), dbSNP rs876658081, ClinGen allele CA10576485.

ClinVar aggregate classification (germline): Uncertain significance. Review status: criteria provided, multiple submitters, no conflicts (2 of 4 stars). 2 submissions from 2 submitters: Uncertain significance (2). Last evaluated 2019-03-20.

Conditions:
Dilated cardiomyopathy 1G (CMD1G). Identifiers: Orphanet 154, MedGen C1858763, MONDO:0011400, OMIM 604145.

Allele frequency attached by ClinVar (database versions not stated): gnomAD 0.00001; TOPMed 0.00001.
gnomAD v4.1: 8 of 1,613,174 alleles (0.0005%); highest among the groups gnomAD compares: Middle Eastern, 0.016%; no homozygotes.

Submissions (2):

Illumina Laboratory Services, Illumina
Classification: Uncertain significance for Dilated cardiomyopathy 1G. Last evaluated: 2019-03-20. Review status: criteria provided, single submitter. Criteria: ICSLVariantClassificationCriteria RUGD 01 April 2020. Collection method: clinical testing. Allele origin: unknown.
Comment: The TTN c.72994G>T (p.Val24332Phe) variant is a missense variant. A literature search was performed for the gene, cDNA, and amino acid change. No publications were found based on this search. This variant is not found in the Genome Aggregation Database. Based on the limited evidence, the p.Val24332Phe variant is classified as a variant of uncertain significance for dilated cardiomyopathy, dominant.

Laboratory for Molecular Medicine, Mass General Brigham Personalized Medicine
Classification: Uncertain significance. Last evaluated: 2015-08-12. Review status: criteria provided, single submitter. Criteria: LMM Criteria. Collection method: clinical testing. Allele origin: germline. Observed: 1 variant allele.
Comment: The p.Val21764Phe variant in TTN has not been previously reported in individuals with cardiomyopathy and was absent from large population studies. Computational prediction tools and conservation analysis do not provide strong support for or against an impact to the protein. In summary, the clinical significance of the p.Val21764Phe variant is uncertain.